The following is an entry in ClinVar:

ClinVar aggregate classification (germline): Uncertain significance (1 of 4 stars; one submission).

Submission:

Ambry Genetics
Classification: Uncertain significance. Last evaluated: 2024-05-30. Review status: criteria provided, single submitter. Criteria: Ambry Variant Classification Scheme 2023. Collection method: clinical testing. Allele origin: germline.
Comment: The p.K94N variant (also known as c.282A>C), located in coding exon 2 of the TMPO gene, results from an A to C substitution at nucleotide position 282. The lysine at codon 94 is replaced by asparagine, an amino acid with similar properties. This amino acid position is conserved. In addition, the in silico prediction for this alteration is inconclusive. Based on the available evidence, the clinical significance of this variant remains unclear.

NM_001032283.3(TMPO):c.282A>C (p.Lys94Asn)

Gene: TMPO (thymopoietin; plus strand). Cytogenetic location: 12q23.1.
Variant type: single nucleotide variant.
Coding change: c.282A>C on transcript NM_001032283.3 (MANE Select); coding-DNA position 282, A replaced by C.
Protein change: p.Lys94Asn; replaces lysine 94 with asparagine.
Molecular consequence: missense variant.
Genome position (GRCh38, 1-based): chr12:98,527,888, A>C. VCF-style: chr12-98527888-A-C. GRCh37 (hg19) VCF-style: chr12-98921666-A-C.
Other names: c.282A>C, p.Lys94Asn (NM_001032284.3, NM_001307975.2, NM_003276.2); short protein forms K94N.
Identifiers: ClinVar variation 3327286 (VCV003327286.1).